The following is an entry in ClinVar:

ClinVar aggregate classification (germline): Conflicting classifications of pathogenicity. Review status: criteria provided, conflicting classifications (1 of 4 stars). 3 submissions from 3 submitters: Uncertain significance (2); Likely benign (1). Last evaluated 2024-07-20.

Conditions:
Ornithine carbamoyltransferase deficiency (OTCD). Also called: Ornithine Carbamoyltransferase Deficiency Disease; ORNITHINE TRANSCARBAMYLASE DEFICIENCY; ORNITHINE TRANSCARBAMYLASE DEFICIENCY, HYPERAMMONEMIA DUE TO; OTC DEFICIENCY. Identifiers: Orphanet 664, MedGen C0268542, MONDO:0010703, OMIM 311250.

Allele frequency attached by ClinVar (database versions not stated): gnomAD 0.00001.
gnomAD v4.1: 3 of 1,201,898 alleles (0.00025%); highest among the groups gnomAD compares: Non-Finnish European, 0.00034%; no homozygotes.

Submissions (3):

All of Us Research Program, National Institutes of Health
Classification: Uncertain significance for Ornithine carbamoyltransferase deficiency. Last evaluated: 2024-07-20. Review status: criteria provided, single submitter. Criteria: ACMG Guidelines, 2015. Collection method: clinical testing. Allele origin: germline. Inheritance: X-linked inheritance. Observed: 1 variant allele, 1 hemizygote.
Comment: This missense variant replaces asparagine with aspartic acid at codon 4 of the OTC protein. Computational prediction suggests that this variant may not impact protein structure and function (internally defined REVEL score threshold <= 0.5, PMID: 27666373). To our knowledge, functional studies have not been reported for this variant. This variant has not been reported in individuals affected with OTC-related disorders in the literature. This variant has been identified in 1/183262 chromosomes in the general population by the Genome Aggregation Database (gnomAD). The available evidence is insufficient to determine the role of this variant in disease conclusively. Therefore, this variant is classified as a Variant of Uncertain Significance.

This study involves interpretation of variants in research participants for the purpose of population health screening. Participant phenotype was not available at the time of variant classification. Additional details can be found in publication PMID: 35346344, PMCID: PMC8962531

Color Diagnostics, LLC DBA Color Health
Classification: Uncertain significance for Ornithine carbamoyltransferase deficiency. Last evaluated: 2024-07-10. Review status: criteria provided, single submitter. Criteria: ACMG Guidelines, 2015. Collection method: clinical testing. Allele origin: germline.
Comment: This missense variant replaces asparagine with aspartic acid at codon 4 of the OTC protein. Computational prediction suggests that this variant may not impact protein structure and function. To our knowledge, functional studies have not been reported for this variant. This variant has not been reported in individuals affected with OTC-related disorders in the literature. This variant has been identified in 1/183262 chromosomes in the general population by the Genome Aggregation Database (gnomAD). The available evidence is insufficient to determine the role of this variant in disease conclusively. Therefore, this variant is classified as a Variant of Uncertain Significance.

Labcorp Genetics (formerly Invitae), Labcorp
Classification: Likely benign for Ornithine carbamoyltransferase deficiency. Last evaluated: 2024-01-12. Review status: criteria provided, single submitter. Criteria: Invitae Variant Classification Sherloc (09022015). Collection method: clinical testing. Allele origin: germline.

NM_000531.6(OTC):c.10A>G (p.Asn4Asp)

Gene: OTC (ornithine transcarbamylase; plus strand). Cytogenetic location: Xp11.4.
Variant type: single nucleotide variant.
Coding change: c.10A>G on transcript NM_000531.6 (MANE Select); coding-DNA position 10, A replaced by G.
Protein change: p.Asn4Asp; replaces asparagine 4 with aspartic acid.
Molecular consequence: missense variant.
Genome position (GRCh38, 1-based): chrX:38,352,706, A>G. VCF-style: chrX-38352706-A-G. GRCh37 (hg19) VCF-style: chrX-38211959-A-G.
Other names: c.10A>G, p.Asn4Asp (NM_001407092.1); short protein forms N4D.
Identifiers: ClinVar variation 2092888 (VCV002092888.6), dbSNP rs1051365488, ClinGen allele CA412712862.